The following is an entry in ClinVar:

NM_015681.6(B9D1):c.28C>G (p.Leu10Val)

Genes: B9D1 (B9 domain containing 1; minus strand), LOC130060455 (ATAC-STARR-seq lymphoblastoid silent region 8288; plus strand). Cytogenetic location: 17p11.2.
Variant type: single nucleotide variant.
Coding change: c.28C>G on transcript NM_015681.6 (MANE Select); coding-DNA position 28, C replaced by G.
Protein change: p.Leu10Val; replaces leucine 10 with valine.
Molecular consequence: missense variant. On other transcripts: intron variant (1).
Genome position (GRCh38, 1-based): chr17:19,362,542, G>C on the plus strand (C>G on the coding strand, the complement: B9D1 is on the minus strand). VCF-style: chr17-19362542-G-C. GRCh37 (hg19) VCF-style: chr17-19265855-G-C.
Other names: c.28C>G, p.Leu10Val (NM_001321214.2, NM_001321215.3, NM_001321216.2 and 4 more transcripts); c.-297-2154C>G (NM_001368769.2); c.28C>G (NM_015681.3); short protein forms L10V.
Identifiers: ClinVar variation 1510127 (VCV001510127.7), dbSNP rs1046425051, ClinGen allele CA288560965.
Genomic context (GRCh38, chr17:19,362,542, plus strand): 5'-CCCGGCGGGGTCCACGGCCGCTCACCTGGGCGCTCTCCACCTGCCCGTTGACCATGAGTA[G>C]AAAGACGCTAGGACTCGCGGTCGCCATGGCAGGTCTGGGGGTGCCGGGGGGACCCACCTA-3'
Protein context (NP_056496.1, residues 1-20): MATASPSVF[Leu10Val]LMVNGQVESA

ClinVar aggregate classification (germline): Uncertain significance. Review status: criteria provided, multiple submitters, no conflicts (2 of 4 stars). 2 submissions from 2 submitters: Uncertain significance (2). Last evaluated 2025-01-27.

Conditions:
Meckel-Gruber syndrome. Also called: DYSENCEPHALIA SPLANCHNOCYSTICA; GRUBER SYNDROME; Dysencephalia splachnocystica. Identifiers: Orphanet 564, MedGen C0265215, MONDO:0018921.
Joubert syndrome. Also called: CEREBELLOPARENCHYMAL DISORDER IV; JOUBERT-BOLTSHAUSER SYNDROME; Familial aplasia of the vermis. Identifiers: Orphanet 475, MedGen C5979921, MONDO:0018772.
Inborn genetic diseases. Identifiers: MedGen C0950123, MeSH D030342.

Allele frequency attached by ClinVar (database versions not stated): gnomAD 0.00001.
gnomAD v4.1: 2 of 1,588,938 alleles (0.00013%); highest among the groups gnomAD compares: African/African-American, 0.0027%; no homozygotes.

Submissions (2):

Ambry Genetics
Classification: Uncertain significance for Inborn genetic diseases. Last evaluated: 2025-01-27. Review status: criteria provided, single submitter. Criteria: Ambry Variant Classification Scheme 2023. Collection method: clinical testing. Allele origin: germline.

Labcorp Genetics (formerly Invitae), Labcorp
Classification: Uncertain significance for Joubert syndrome; Meckel-Gruber syndrome. Last evaluated: 2024-08-30. Review status: criteria provided, single submitter. Criteria: Invitae Variant Classification Sherloc (09022015). Collection method: clinical testing. Allele origin: germline.
Comment: This sequence change replaces leucine, which is neutral and non-polar, with valine, which is neutral and non-polar, at codon 10 of the B9D1 protein (p.Leu10Val). This variant is not present in population databases (gnomAD no frequency). This variant has not been reported in the literature in individuals affected with B9D1-related conditions. ClinVar contains an entry for this variant (Variation ID: 1510127). An algorithm developed to predict the effect of missense changes on protein structure and function (PolyPhen-2) suggests that this variant is likely to be tolerated. In summary, the available evidence is currently insufficient to determine the role of this variant in disease. Therefore, it has been classified as a Variant of Uncertain Significance.